The following is an entry in ClinVar:

ClinVar aggregate classification (germline): Likely benign (1 of 4 stars; one submission).

gnomAD v4.1: 14 of 1,589,852 alleles (0.00088%); highest among the groups gnomAD compares: Admixed American, 0.0036%; no homozygotes.

Submission:

Molecular Diagnostic Laboratory for Inherited Cardiovascular Disease, Montreal Heart Institute
Classification: Likely benign. Last evaluated: 2025-04-09. Review status: criteria provided, single submitter. Criteria: ACMG Guidelines, 2015. Collection method: clinical testing. Allele origin: germline. Affected: no.
Comment: BP1

NM_001267550.2(TTN):c.72844T>C (p.Tyr24282His)

Genes: TTN (titin; minus strand), TTN-AS1 (TTN antisense RNA 1; plus strand). Cytogenetic location: 2q31.2.
Variant type: single nucleotide variant.
Coding change: c.72844T>C on transcript NM_001267550.2 (MANE Select); coding-DNA position 72844, T replaced by C.
Protein change: p.Tyr24282His; replaces tyrosine 24282 with histidine.
Molecular consequence: missense variant.
Genome position (GRCh38, 1-based): chr2:178,573,288, A>G on the plus strand (T>C on the coding strand, the complement: TTN is on the minus strand). VCF-style: chr2-178573288-A-G. GRCh37 (hg19) VCF-style: chr2-179438015-A-G.
Other names: c.67921T>C, p.Tyr22641His (NM_001256850.1); c.45649T>C, p.Tyr15217His (NM_003319.4); c.65140T>C, p.Tyr21714His (NM_133378.4); c.46024T>C, p.Tyr15342His (NM_133432.3); c.46225T>C, p.Tyr15409His (NM_133437.4); short protein forms Y15217H, Y15342H, Y15409H, Y21714H, Y22641H, Y24282H.
Identifiers: ClinVar variation 3895275 (VCV003895275.1), dbSNP rs369711272.